The following is an entry in ClinVar:

NM_014915.3(ANKRD26):c.2458G>A (p.Glu820Lys)

Gene: ANKRD26 (ankyrin repeat domain 26; minus strand). Cytogenetic location: 10p12.1.
Variant type: single nucleotide variant.
Coding change: c.2458G>A on transcript NM_014915.3 (MANE Select); coding-DNA position 2458, G replaced by A.
Protein change: p.Glu820Lys; replaces glutamic acid 820 with lysine.
Molecular consequence: missense variant.
Genome position (GRCh38, 1-based): chr10:27,037,972, C>T on the plus strand (G>A on the coding strand, the complement: ANKRD26 is on the minus strand). VCF-style: chr10-27037972-C-T. GRCh37 (hg19) VCF-style: chr10-27326901-C-T.
Other names: c.2455G>A, p.Glu819Lys (NM_001256053.2); short protein forms E819K, E820K.
Identifiers: ClinVar variation 1218919 (VCV001218919.6), dbSNP rs746927502, ClinGen allele CA5448219.

ClinVar aggregate classification (germline): Uncertain significance. Review status: criteria provided, multiple submitters, no conflicts (2 of 4 stars). 3 submissions from 3 submitters: Uncertain significance (3). Last evaluated 2025-06-13.

Conditions:
Inborn genetic diseases. Identifiers: MedGen C0950123, MeSH D030342.

Allele frequency attached by ClinVar (database versions not stated): ExAC 0.00002; gnomAD 0.00002.
gnomAD v4.1: 20 of 1,613,044 alleles (0.0012%); highest among the groups gnomAD compares: Non-Finnish European, 0.0014%; no homozygotes.

Submissions (3):

GeneDx
Classification: Uncertain significance. Last evaluated: 2025-06-13. Review status: criteria provided, single submitter. Criteria: GeneDx Variant Classification Process June 2021. Collection method: clinical testing. Allele origin: germline. Affected: yes.
Comment: Not observed at significant frequency in large population cohorts (gnomAD); In silico analysis supports that this missense variant has a deleterious effect on protein structure/function; Has not been previously published as pathogenic or benign to our knowledge

Labcorp Genetics (formerly Invitae), Labcorp
Classification: Uncertain significance. Last evaluated: 2025-06-03. Review status: criteria provided, single submitter. Criteria: Invitae Variant Classification Sherloc (09022015). Collection method: clinical testing. Allele origin: germline.
Comment: This sequence change replaces glutamic acid, which is acidic and polar, with lysine, which is basic and polar, at codon 820 of the ANKRD26 protein (p.Glu820Lys). The frequency data for this variant in the population databases is considered unreliable, as metrics indicate poor data quality at this position in the gnomAD database. This variant has not been reported in the literature in individuals affected with ANKRD26-related conditions. ClinVar contains an entry for this variant (Variation ID: 1218919). An algorithm developed to predict the effect of missense changes on protein structure and function (PolyPhen-2) suggests that this variant is likely to be disruptive. In summary, the available evidence is currently insufficient to determine the role of this variant in disease. Therefore, it has been classified as a Variant of Uncertain Significance.

Ambry Genetics
Classification: Uncertain significance for Inborn genetic diseases. Last evaluated: 2025-01-09. Review status: criteria provided, single submitter. Criteria: Ambry Variant Classification Scheme 2023. Collection method: clinical testing. Allele origin: germline.
Comment: The p.E820K variant (also known as c.2458G>A), located in coding exon 22 of the ANKRD26 gene, results from a G to A substitution at nucleotide position 2458. The glutamic acid at codon 820 is replaced by lysine, an amino acid with similar properties. This amino acid position is conserved. In addition, this alteration is predicted to be tolerated by in silico analysis. Based on the available evidence, the clinical significance of this variant remains unclear.